The following is an entry in ClinVar:

ClinVar aggregate classification (germline): Conflicting classifications of pathogenicity. Review status: criteria provided, conflicting classifications (1 of 4 stars). 4 submissions from 4 submitters: Uncertain significance (2); Likely benign (1). 1 of the submissions does not count toward it. Last evaluated 2025-10-28.

Conditions:
Inborn genetic diseases. Identifiers: MedGen C0950123, MeSH D030342.
NBEA-related disorder. Also called: NBEA-related condition.

Allele frequency attached by ClinVar (database versions not stated): gnomAD exomes 0.00004; ExAC 0.00006; gnomAD 0.00006; TOPMed 0.00012.
gnomAD v4.1: 80 of 1,613,396 alleles (0.005%); highest among the groups gnomAD compares: Admixed American, 0.017%; no homozygotes.

Submissions (4):

Women's Health and Genetics/Laboratory Corporation of America, LabCorp
Classification: Uncertain significance. Last evaluated: 2025-10-28. Review status: criteria provided, single submitter. Criteria: LabCorp Variant Classification Summary - May 2015. Collection method: clinical testing. Allele origin: germline.
Comment: Variant summary: NBEA c.5308C>G (p.Pro1770Ala) results in a non-conservative amino acid change in the encoded protein sequence. Algorithms developed to predict the effect of missense changes on protein structure and function are either unavailable or do not agree on the potential impact of this missense change. The variant allele was found at a frequency of 4.4e-05 in 248336 control chromosomes. This frequency is not significantly higher than estimated for disease-causing variants in NBEA, allowing no conclusion about variant significance. To our knowledge, no occurrence of c.5308C>G in individuals affected with NBEA-related conditions and no experimental evidence demonstrating its impact on protein function have been reported. ClinVar contains an entry for this variant (Variation ID: 2395005). Based on the evidence outlined above, the variant was classified as uncertain significance.

Blueprint Genetics
Classification: Likely benign. Last evaluated: 2024-09-01. Review status: criteria provided, single submitter. Criteria: ACMG Guidelines, 2015. Collection method: clinical testing. Allele origin: germline.

Ambry Genetics
Classification: Uncertain significance for Inborn genetic diseases. Last evaluated: 2022-08-02. Review status: criteria provided, single submitter. Criteria: Ambry Variant Classification Scheme 2023. Collection method: clinical testing. Allele origin: germline.

PreventionGenetics, part of Exact Sciences
Classification: Likely benign for NBEA-related condition. Last evaluated: 2023-10-23. Review status: no assertion criteria provided. Collection method: clinical testing. Allele origin: germline. Not counted in ClinVar's aggregate classification.
Comment: This variant is classified as likely benign based on ACMG/AMP sequence variant interpretation guidelines (Richards et al. 2015 PMID: 25741868, with internal and published modifications).

NM_001385012.1(NBEA):c.5308C>G (p.Pro1770Ala)

Gene: NBEA (neurobeachin; plus strand). Cytogenetic location: 13q13.3.
Variant type: single nucleotide variant.
Coding change: c.5308C>G on transcript NM_001385012.1 (MANE Select); coding-DNA position 5308, C replaced by G.
Protein change: p.Pro1770Ala; replaces proline 1770 with alanine.
Molecular consequence: missense variant.
Genome position (GRCh38, 1-based): chr13:35,196,244, C>G. VCF-style: chr13-35196244-C-G. GRCh37 (hg19) VCF-style: chr13-35770381-C-G.
Other names: c.5299C>G, p.Pro1767Ala (NM_001379245.1); c.5308C>G, p.Pro1770Ala (NM_015678.5); short protein forms P1770A, P1767A.
Identifiers: ClinVar variation 2395005 (VCV002395005.6), dbSNP rs756773268, ClinGen allele CA6947060.
Genomic context (GRCh38, chr13:35,196,244, plus strand): 5'-CTTGTGGCTGCTCCAGTTGAAATAGCAGAATGTGGCCCTGAACCTATCCCATACCCAGAT[C>G]CAGCATTGAAGAGAGAAACACAAGCTATTCTTCCTATGCAGTTTCATTCCTTTGACAGGT-3'
Protein context (NP_001371941.1, residues 1760-1780): CGPEPIPYPD[Pro1770Ala]ALKRETQAIL